The following is an entry in ClinVar:

ClinVar aggregate classification (germline): Uncertain significance (1 of 4 stars; one submission).

gnomAD v4.1: 8 of 1,611,988 alleles (0.0005%); highest among the groups gnomAD compares: Middle Eastern, 0.033%; no homozygotes.

Submission:

Labcorp Genetics (formerly Invitae), Labcorp
Classification: Uncertain significance. Last evaluated: 2026-01-20. Review status: criteria provided, single submitter. Criteria: Invitae Variant Classification Sherloc (09022015). Collection method: clinical testing. Allele origin: germline.
Comment: This sequence change replaces methionine, which is neutral and non-polar, with valine, which is neutral and non-polar, at codon 2063 of the SORL1 protein (p.Met2063Val). This variant is present in population databases (no rsID available, gnomAD 0.006%). This variant has not been reported in the literature in individuals affected with SORL1-related conditions. An algorithm developed to predict the effect of missense changes on protein structure and function (PolyPhen-2) suggests that this variant is likely to be tolerated. In summary, the available evidence is currently insufficient to determine the role of this variant in disease. Therefore, it has been classified as a Variant of Uncertain Significance.

NM_003105.6(SORL1):c.6187A>G (p.Met2063Val)

Gene: SORL1 (sortilin related receptor 1; plus strand). Cytogenetic location: 11q24.1.
Variant type: single nucleotide variant.
Coding change: c.6187A>G on transcript NM_003105.6 (MANE Select); coding-DNA position 6187, A replaced by G.
Protein change: p.Met2063Val; replaces methionine 2063 with valine.
Molecular consequence: missense variant.
Genome position (GRCh38, 1-based): chr11:121,625,100, A>G. VCF-style: chr11-121625100-A-G. GRCh37 (hg19) VCF-style: chr11-121495809-A-G.
Other names: short protein forms M2063V.
Identifiers: ClinVar variation 4700298 (VCV004700298.1).
Genomic context (GRCh38, chr11:121,625,100, plus strand): 5'-TTTCCATATTCGACTTCCTGAGCAATCTCTTGTGTTTGTTTTCAGGGCTATGAGATACAC[A>G]TGTTTGATAGTGCCATGAATATCACAGCTTACCTTGGGAATACTACTGACAATTTCTTTA-3'
Protein context (NP_003096.2, residues 2053-2073): FNESRGYEIH[Met2063Val]FDSAMNITAY